The following is an entry in ClinVar:

NM_003738.5(PTCH2):c.1111G>A (p.Ala371Thr)

Gene: PTCH2 (patched 2; minus strand). Cytogenetic location: 1p34.1.
Variant type: single nucleotide variant.
Coding change: c.1111G>A on transcript NM_003738.5 (MANE Select); coding-DNA position 1111, G replaced by A.
Protein change: p.Ala371Thr; replaces alanine 371 with threonine.
Molecular consequence: missense variant.
Genome position (GRCh38, 1-based): chr1:44,829,506, C>T on the plus strand (G>A on the coding strand, the complement: PTCH2 is on the minus strand). VCF-style: chr1-44829506-C-T. GRCh37 (hg19) VCF-style: chr1-45295178-C-T.
Other names: c.1111G>A, p.Ala371Thr (NM_001166292.2); c.1111G>A (NM_003738.4); short protein forms A371T.
Identifiers: ClinVar variation 1442019 (VCV001442019.7), dbSNP rs201191113, ClinGen allele CA823422.

ClinVar aggregate classification (germline): Uncertain significance. Review status: criteria provided, multiple submitters, no conflicts (2 of 4 stars). 2 submissions from 2 submitters: Uncertain significance (2). Last evaluated 2025-02-22.

Conditions:
Gorlin syndrome. Also called: Basal cell nevus syndrome; Nevoid Basal Cell Carcinoma Syndrome. Identifiers: Orphanet 377, MedGen C0004779, MONDO:0007187.

Allele frequency attached by ClinVar (database versions not stated): 1000 Genomes Project 30x 0.00016; 1000 Genomes Project 0.00020.
gnomAD v4.1: 22 of 1,614,170 alleles (0.0014%); highest among the groups gnomAD compares: East Asian, 0.022%; no homozygotes.

Submissions (2):

Ambry Genetics
Classification: Uncertain significance. Last evaluated: 2025-02-22. Review status: criteria provided, single submitter. Criteria: Ambry Variant Classification Scheme 2023. Collection method: clinical testing. Allele origin: germline.

Labcorp Genetics (formerly Invitae), Labcorp
Classification: Uncertain significance for Gorlin syndrome. Last evaluated: 2024-11-16. Review status: criteria provided, single submitter. Criteria: Invitae Variant Classification Sherloc (09022015). Collection method: clinical testing. Allele origin: germline.
Comment: This sequence change replaces alanine, which is neutral and non-polar, with threonine, which is neutral and polar, at codon 371 of the PTCH2 protein (p.Ala371Thr). This variant is present in population databases (rs201191113, gnomAD 0.04%), and has an allele count higher than expected for a pathogenic variant. This variant has not been reported in the literature in individuals affected with PTCH2-related conditions. ClinVar contains an entry for this variant (Variation ID: 1442019). Invitae Evidence Modeling of protein sequence and biophysical properties (such as structural, functional, and spatial information, amino acid conservation, physicochemical variation, residue mobility, and thermodynamic stability) indicates that this missense variant is not expected to disrupt PTCH2 protein function with a negative predictive value of 80%. In summary, the available evidence is currently insufficient to determine the role of this variant in disease. Therefore, it has been classified as a Variant of Uncertain Significance.